The following is an entry in ClinVar:

ClinVar aggregate classification (germline): Uncertain significance. Review status: criteria provided, multiple submitters, no conflicts (2 of 4 stars). 2 submissions from 2 submitters: Uncertain significance (2). Last evaluated 2021-05-26.

Conditions:
Von Hippel-Lindau syndrome (VHLS). Also called: VHL syndrome; Von Hippel-Lindau; von Hippel–Lindau syndrome. Identifiers: Orphanet 892, MedGen C0019562, MONDO:0008667, OMIM 193300. Disease mechanism: loss of function.
Chuvash polycythemia. Also called: POLYCYTHEMIA, VHL-DEPENDENT. Identifiers: Orphanet 238557, MedGen C1837915, MONDO:0009892, OMIM 263400.
Hereditary cancer-predisposing syndrome. Also called: Hereditary Cancer Syndrome; Neoplastic Syndromes, Hereditary; Hereditary neoplastic syndrome; Tumor predisposition. Identifiers: Orphanet 140162, MedGen C0027672, MeSH D009386, MONDO:0015356.

Submissions (2):

Labcorp Genetics (formerly Invitae), Labcorp
Classification: Uncertain significance for Von Hippel-Lindau syndrome; Chuvash polycythemia. Last evaluated: 2021-05-26. Review status: criteria provided, single submitter. Criteria: Invitae Variant Classification Sherloc (09022015). Collection method: clinical testing. Allele origin: germline.
Comment: In summary, the available evidence is currently insufficient to determine the role of this variant in disease. Therefore, it has been classified as a Variant of Uncertain Significance. Experimental studies and prediction algorithms are not available or were not evaluated, and the functional significance of this variant is currently unknown. This variant has not been reported in the literature in individuals with VHL-related conditions. ClinVar contains an entry for this variant (Variation ID: 818334). The frequency data for this variant in the population databases is considered unreliable, as metrics indicate insufficient coverage at this position in the ExAC database. This variant, c.108_122dup, results in the insertion of 5 amino acid(s) to the VHL protein (p.Ser43_Glu47dup), but otherwise preserves the integrity of the reading frame.

Ambry Genetics
Classification: Uncertain significance for Hereditary cancer-predisposing syndrome. Last evaluated: 2018-12-28. Review status: criteria provided, single submitter. Criteria: Ambry Variant Classification Scheme 2023. Collection method: clinical testing. Allele origin: germline.
Comment: The c.108_122dup15 variant (also known as p.E47_L48insESGPE), located in coding exon 1 of the VHL gene, results from an in-frame duplication of 15 nucleotides at nucleotide positions 108 to 122. This results in the duplication of 5 extra residues (ESGPE) between codons 47 and 48. This alteration, designated as "34-38: ins5aa", has been reported in a cohort of 63 unrelated MEN1 kindreds (Bassett JH et al. Am. J. Hum. Genet., 1998 Feb;62:232-44). This nucleotide region is well conserved in available vertebrate species. Since supporting evidence is limited at this time, the clinical significance of this alteration remains unclear.

Literature cited by the submitters: PubMed 9463336 (cited by Ambry Genetics).

NM_000551.4(VHL):c.108_122dup (p.38_42SGPEE[3])

Gene: VHL (von Hippel-Lindau tumor suppressor; plus strand). Cytogenetic location: 3p25.3.
Variant type: Duplication.
Coding change: c.108_122dup on transcript NM_000551.4 (MANE Select); coding-DNA positions 108 to 122, 15 bases duplicated (GGAGTCCGGCCCGGA).
Protein change: p.38_42SGPEE[3].
Molecular consequence: inframe insertion.
Genome position (GRCh38, 1-based): chr3:10,141,955-10,141,969, GGAGTCCGGCCCGGA duplicated; duplicating any 15 consecutive bases within chr3:10,141,953-10,141,969 gives the same sequence; the c. name uses the placement nearest the transcript's 3' end. VCF-style (leftmost placement, unchanged base first): chr3-10141952-C-CGAGGAGTCCGGCCCG. GRCh37 (hg19) VCF-style: chr3-10183636-C-CGAGGAGTCCGGCCCG.
Other names: c.108_122dup, p.38_42SGPEE[3] (NM_001354723.2, NM_198156.3).
Identifiers: ClinVar variation 818334 (VCV000818334.12), dbSNP rs1340164546, ClinGen allele CA896158356.
Genomic context (GRCh38, chr3:10,141,952, plus strand): 5'-GGAGGAGGCAGGCGTCGAAGAGTACGGCCCTGAAGAAGACGGCGGGGAGGAGTCGGGCGC[C>CGAGGAGTCCGGCCCG]GAGGAGTCCGGCCCGGAAGAGTCCGGCCCGGAGGAACTGGGCGCCGAGGAGGAGATGGAG-3'